The following is an entry in ClinVar:

NM_001218.5(CA12):c.585C>A (p.Tyr195Ter)

Gene: CA12 (carbonic anhydrase 12; minus strand). Cytogenetic location: 15q22.2.
Variant type: single nucleotide variant.
Coding change: c.585C>A on transcript NM_001218.5 (MANE Select); coding-DNA position 585, C replaced by A.
Protein change: p.Tyr195Ter; replaces tyrosine 195 with a stop codon.
Molecular consequence: nonsense. On other transcripts: non-coding transcript variant (1).
Genome position (GRCh38, 1-based): chr15:63,340,724, G>T on the plus strand (C>A on the coding strand, the complement: CA12 is on the minus strand). VCF-style: chr15-63340724-G-T. GRCh37 (hg19) VCF-style: chr15-63632923-G-T.
Other names: p.Tyr195Ter; c.405C>A, p.Tyr135Ter (NM_001293642.2); c.585C>A, p.Tyr195Ter (NM_206925.3); short protein forms Y135*, Y195*.
Identifiers: ClinVar variation 4880187 (VCV004880187.1).

ClinVar aggregate classification (germline): Likely pathogenic (1 of 4 stars; one submission).

Conditions:
Isolated hyperchlorhidrosis. Identifiers: Orphanet 542657, MedGen C1840437, MONDO:0007747, OMIM 143860.

Submission:

Foundation for Research in Genetics and Endocrinology, FRIGE's Institute of Human Genetics
Classification: Likely pathogenic for Isolated hyperchlorhidrosis. Last evaluated: 2026-06-13. Review status: criteria provided, single submitter. Criteria: ACMG Guidelines, 2015. Collection method: clinical testing. Allele origin: germline. Inheritance: Autosomal recessive inheritance. Affected: yes. Observed: 1 variant allele, 1 homozygote.
Comment: A homozygous variant c.585C>A (p.Tyr195Ter) in exon 6 of the CA12 gene that results in a premature termination codon at amino acid position 195 was detected. The identified homozygous nonsense substitution (p.Tyr195Ter) is predicted to cause premature termination of the protein with a length of 194 amino acids (aa) as opposed to the original length of 354 aa. This variant has not been reported in the 1000 genomes and gnomAD databases. The in-silico prediction of the variant is deleterious by MutatinTaster and DANN. In summary, the variant meets our criteria to be classified as likely pathogenic.